The following is an entry in ClinVar:

ClinVar aggregate classification (germline): Uncertain significance (1 of 4 stars; one submission).

gnomAD v4.1: 12 of 1,613,456 alleles (0.00074%); highest among the groups gnomAD compares: Non-Finnish European, 0.00093%; no homozygotes.

Submission:

GeneDx
Classification: Uncertain significance. Last evaluated: 2024-02-27. Review status: criteria provided, single submitter. Criteria: GeneDx Variant Classification Process June 2021. Collection method: clinical testing. Allele origin: germline. Affected: yes.
Comment: Not observed at significant frequency in large population cohorts (gnomAD); In silico analysis supports that this missense variant has a deleterious effect on protein structure/function; Has not been previously published as pathogenic or benign to our knowledge

NM_001374504.1(TMPRSS6):c.2383A>T (p.Ser795Cys)

Gene: TMPRSS6 (transmembrane serine protease 6; minus strand). Cytogenetic location: 22q12.3.
Variant type: single nucleotide variant.
Coding change: c.2383A>T on transcript NM_001374504.1 (MANE Select); coding-DNA position 2383, A replaced by T.
Protein change: p.Ser795Cys; replaces serine 795 with cysteine.
Molecular consequence: missense variant.
Genome position (GRCh38, 1-based): chr22:37,066,106, T>A on the plus strand (A>T on the coding strand, the complement: TMPRSS6 is on the minus strand). VCF-style: chr22-37066106-T-A. GRCh37 (hg19) VCF-style: chr22-37462146-T-A.
Other names: c.2449A>T, p.Ser817Cys (NM_001289000.2); c.2383A>T, p.Ser795Cys (NM_001289001.2, NM_153609.4); short protein forms S795C, S817C.
Identifiers: ClinVar variation 3373431 (VCV003373431.1).